The following is an entry in ClinVar:

NM_014314.4(RIGI):c.1639-4A>G

Gene: RIGI (RNA sensor RIG-I; minus strand). Cytogenetic location: 9p21.1.
Variant type: single nucleotide variant.
Coding change: c.1639-4A>G on transcript NM_014314.4 (MANE Select); 4 bases into the intron before coding-DNA position 1639, A replaced by G.
Molecular consequence: intron variant.
Genome position (GRCh38, 1-based): chr9:32,480,358, T>C on the plus strand (A>G on the coding strand, the complement: RIGI is on the minus strand). VCF-style: chr9-32480358-T-C. GRCh37 (hg19) VCF-style: chr9-32480356-T-C.
Other names: c.1030-4A>G (NM_001385912.1); c.1624-4A>G (NM_001385913.1); c.1633-4A>G (NM_001385907.1); c.1639-4A>G (NM_001385909.1); c.1195-4A>G (NM_001385914.1); c.1198-4A>G (NM_001385910.1).
Identifiers: ClinVar variation 1049796 (VCV001049796.2), dbSNP rs765214948, ClinGen allele CA5019722.

ClinVar aggregate classification (germline): Uncertain significance (0 of 4 stars; one submission).

Allele frequency attached by ClinVar (database versions not stated): TOPMed below 0.00001; ExAC 0.00001; gnomAD exomes 0.00001.
gnomAD v4.1: 3 of 1,580,230 alleles (0.00019%); highest among the groups gnomAD compares: Non-Finnish European, 0.00026%; no homozygotes.

Submission:

Department of Pathology and Laboratory Medicine, Sinai Health System
Classification: Uncertain significance. Review status: no assertion criteria provided. Collection method: clinical testing. Allele origin: unknown. Affected: yes. Study: The Canadian Open Genetics Repository (COGR).
Comment: The DDX58 c.1639-4A>G variant was not identified in the literature nor was it identified in ClinVar. The variant was identified in dbSNP (ID: rs765214948) and in control databases in 3 of 248846 chromosomes at a frequency of 0.00001206 (Genome Aggregation Database March 6, 2019, v2.1.1). The variant was observed in the European (non-Finnish) population in 3 of 112926 chromosomes (freq: 0.000027), but was not observed in the African, Latino, Ashkenazi Jewish, East Asian, European (Finnish), Other, or South Asian populations. The c.1639-4A>G variant is located in the 3' splice region but does not affect the invariant -1 and -2 positions. However, positions -3 and -5 to -12 are part of the splicing consensus sequence and variants involving these positions sometimes affect splicing. In addition, 4 of 4 in silico or computational prediction software programs (SpliceSiteFinder, MaxEntScan, NNSPLICE, GeneSplicer) predict a greater than 10% difference in splicing and the creation of a new 3' splice site. However, this has not been confirmed by RNA analysis and is not predictive enough to assume pathogenicity. In summary, based on the above information the clinical significance of this variant cannot be determined with certainty at this time. This variant is classified as a variant of uncertain significance.